The following is an entry in ClinVar:

ClinVar aggregate classification (germline): Uncertain significance (1 of 4 stars; one submission).

Conditions:
Dilated cardiomyopathy 1G (CMD1G). Identifiers: Orphanet 154, MedGen C1858763, MONDO:0011400, OMIM 604145.
Autosomal recessive limb-girdle muscular dystrophy type 2J (LGMDR10). Also called: MUSCULAR DYSTROPHY, LIMB-GIRDLE, AUTOSOMAL RECESSIVE 10; Limb-girdle muscular dystrophy, type 2J. Identifiers: Orphanet 140922, MedGen C1837342, MONDO:0012127, OMIM 608807.

gnomAD v4.1: 2 of 1,613,980 alleles (0.00012%); highest among the groups gnomAD compares: Non-Finnish European, 0.00017%; no homozygotes.

Submission:

Labcorp Genetics (formerly Invitae), Labcorp
Classification: Uncertain significance for Dilated cardiomyopathy 1G; Limb-girdle muscular dystrophy, type 2J. Last evaluated: 2018-01-08. Review status: criteria provided, single submitter. Criteria: Invitae Variant Classification Sherloc (09022015). Collection method: clinical testing. Allele origin: germline.
Comment: This sequence change replaces asparagine with lysine at codon 35619 of the TTN protein (p.Asn35619Lys). There is a moderate physicochemical difference between asparagine and lysine. This variant is not present in population databases (ExAC no frequency). This variant has not been reported in the literature in individuals with TTN-related disease. This variant identified in the TTN gene is located in the M band of the resulting protein (PMID: 25589632). It is unclear how this variant impacts the function of this protein. Algorithms developed to predict the effect of missense changes on protein structure and function are unavailable for the TTN gene. In summary, this variant is a novel missense change with unknown impact on protein function. Missense variants in this region of the TTN gene are typically not causative for cardiac disease, but may be relevant for neuromuscular disorders. However, the available evidence is currently insufficient to determine this variantâ€šÃ„Ã´s role in disease. Therefore, it has been classified as a Variant of Uncertain Significance.

Literature cited by the submitters: PubMed 25589632.

NM_001267550.2(TTN):c.106857C>A (p.Asn35619Lys)

Genes: TTN-AS1 (TTN antisense RNA 1; plus strand), TTN (titin; minus strand). Cytogenetic location: 2q31.2.
Variant type: single nucleotide variant.
Coding change: c.106857C>A on transcript NM_001267550.2 (MANE Select); coding-DNA position 106857, C replaced by A.
Protein change: p.Asn35619Lys; replaces asparagine 35619 with lysine.
Molecular consequence: missense variant.
Genome position (GRCh38, 1-based): chr2:178,528,894, G>T on the plus strand (C>A on the coding strand, the complement: TTN is on the minus strand). VCF-style: chr2-178528894-G-T. GRCh37 (hg19) VCF-style: chr2-179393621-G-T.
Other names: c.101934C>A, p.Asn33978Lys (NM_001256850.1); c.79662C>A, p.Asn26554Lys (NM_003319.4); c.99153C>A, p.Asn33051Lys (NM_133378.4); c.80037C>A, p.Asn26679Lys (NM_133432.3); c.80238C>A, p.Asn26746Lys (NM_133437.4); short protein forms N35619K, N26746K, N26679K, N33978K, N26554K, N33051K.
Identifiers: ClinVar variation 567870 (VCV000567870.1), dbSNP rs116604145, ClinGen allele CA349402836.